The following is an entry in ClinVar:

NM_025099.6(CTC1):c.3567C>G (p.His1189Gln)

Gene: CTC1 (CST telomere replication complex component 1; minus strand). Cytogenetic location: 17p13.1.
Variant type: single nucleotide variant.
Coding change: c.3567C>G on transcript NM_025099.6 (MANE Select); coding-DNA position 3567, C replaced by G.
Protein change: p.His1189Gln; replaces histidine 1189 with glutamine.
Molecular consequence: missense variant. On other transcripts: non-coding transcript variant (1).
Genome position (GRCh38, 1-based): chr17:8,228,267, G>C on the plus strand (C>G on the coding strand, the complement: CTC1 is on the minus strand). VCF-style: chr17-8228267-G-C. GRCh37 (hg19) VCF-style: chr17-8131585-G-C.
Other names: short protein forms H1189Q.
Identifiers: ClinVar variation 858794 (VCV000858794.10), dbSNP rs374942931, ClinGen allele CA397967779.

ClinVar aggregate classification (germline): Uncertain significance. Review status: criteria provided, multiple submitters, no conflicts (2 of 4 stars). 2 submissions from 2 submitters: Uncertain significance (2). Last evaluated 2023-07-17.

Conditions:
Dyskeratosis congenita. Identifiers: Orphanet 1775, MedGen C0265965, MONDO:0015780.

Allele frequency attached by ClinVar (database versions not stated): TOPMed 0.00001.
gnomAD v4.1: 3 of 1,614,042 alleles (0.00019%); highest among the groups gnomAD compares: Non-Finnish European, 0.00025%; no homozygotes.

Submissions (2):

Labcorp Genetics (formerly Invitae), Labcorp
Classification: Uncertain significance for Dyskeratosis congenita. Last evaluated: 2023-07-17. Review status: criteria provided, single submitter. Criteria: Invitae Variant Classification Sherloc (09022015). Collection method: clinical testing. Allele origin: germline.
Comment: This variant has not been reported in the literature in individuals affected with CTC1-related conditions. This variant is not present in population databases (gnomAD no frequency). This sequence change replaces histidine, which is basic and polar, with glutamine, which is neutral and polar, at codon 1189 of the CTC1 protein (p.His1189Gln). ClinVar contains an entry for this variant (Variation ID: 858794). In summary, the available evidence is currently insufficient to determine the role of this variant in disease. Therefore, it has been classified as a Variant of Uncertain Significance. Algorithms developed to predict the effect of sequence changes on RNA splicing suggest that this variant may create or strengthen a splice site. An algorithm developed to predict the effect of missense changes on protein structure and function (PolyPhen-2) suggests that this variant is likely to be tolerated.

Blueprint Genetics
Classification: Uncertain significance. Last evaluated: 2021-05-07. Review status: criteria provided, single submitter. Criteria: ACMG Guidelines, 2015. Collection method: clinical testing. Allele origin: germline.